The following is an entry in ClinVar:

NM_001170629.2(CHD8):c.5840G>C (p.Cys1947Ser)

Gene: CHD8 (chromodomain helicase DNA binding protein 8; minus strand). Cytogenetic location: 14q11.2.
Variant type: single nucleotide variant.
Coding change: c.5840G>C on transcript NM_001170629.2 (MANE Select); coding-DNA position 5840, G replaced by C.
Protein change: p.Cys1947Ser; replaces cysteine 1947 with serine.
Molecular consequence: missense variant.
Genome position (GRCh38, 1-based): chr14:21,393,955, C>G on the plus strand (G>C on the coding strand, the complement: CHD8 is on the minus strand). VCF-style: chr14-21393955-C-G. GRCh37 (hg19) VCF-style: chr14-21862114-C-G.
Other names: c.5003G>C, p.Cys1668Ser (NM_020920.4); short protein forms C1668S, C1947S.
Identifiers: ClinVar variation 4814060 (VCV004814060.1).

ClinVar aggregate classification (germline): Likely benign (1 of 4 stars; one submission).

Conditions:
Intellectual developmental disorder with autism and macrocephaly. Also called: Autism, susceptibility to, 18; CHD8-Related Neurodevelopmental Disorder with Overgrowth. Identifiers: Orphanet 642675, MedGen C3554373, MONDO:0014017, OMIM 615032.

Submission:

Centre for Medical Genetics,  Mumbai
Classification: Likely benign for Intellectual developmental disorder with autism and macrocephaly. Last evaluated: 2026-03-04. Review status: criteria provided, single submitter. Criteria: ACMG Guidelines, 2015. Collection method: provider interpretation. Allele origin: germline. Inheritance: Autosomal dominant inheritance. Affected: no. Observed: 1 variant allele, 1 heterozygote.
Comment: The variant satisfies PM2 criteria; Extremely low frequency in gnomAD population databases. The variant satisfies PP2 criteria; Missense variant in a gene with low rate of benign missense mutations and for which missense mutation is a common mechanism of a disease. However, the variant satisfies BS2 criteria.

Literature cited by the submitters: PubMed 22495309.